The following is an entry in ClinVar:

ClinVar aggregate classification (germline): Uncertain significance (1 of 4 stars; one submission).

Allele frequency attached by ClinVar (database versions not stated): ExAC 0.00001.
gnomAD v4.1: 3 of 1,614,120 alleles (0.00019%); highest among the groups gnomAD compares: African/African-American, 0.004%; no homozygotes.

Submission:

Labcorp Genetics (formerly Invitae), Labcorp
Classification: Uncertain significance. Last evaluated: 2022-02-06. Review status: criteria provided, single submitter. Criteria: Invitae Variant Classification Sherloc (09022015). Collection method: clinical testing. Allele origin: germline.
Comment: Algorithms developed to predict the effect of missense changes on protein structure and function are either unavailable or do not agree on the potential impact of this missense change (SIFT: "Deleterious"; PolyPhen-2: "Probably Damaging"; Align-GVGD: "Class C0"). In summary, the available evidence is currently insufficient to determine the role of this variant in disease. Therefore, it has been classified as a Variant of Uncertain Significance. This variant has not been reported in the literature in individuals affected with MCM2-related conditions. This variant is present in population databases (rs751854368, gnomAD 0.007%). This sequence change replaces alanine, which is neutral and non-polar, with serine, which is neutral and polar, at codon 573 of the MCM2 protein (p.Ala573Ser).

NM_004526.4(MCM2):c.1717G>T (p.Ala573Ser)

Gene: MCM2 (minichromosome maintenance complex component 2; plus strand). Cytogenetic location: 3q21.3.
Variant type: single nucleotide variant.
Coding change: c.1717G>T on transcript NM_004526.4 (MANE Select); coding-DNA position 1717, G replaced by T.
Protein change: p.Ala573Ser; replaces alanine 573 with serine.
Molecular consequence: missense variant. On other transcripts: non-coding transcript variant (1).
Genome position (GRCh38, 1-based): chr3:127,617,062, G>T. VCF-style: chr3-127617062-G-T. GRCh37 (hg19) VCF-style: chr3-127335905-G-T.
Other names: short protein forms A573S.
Identifiers: ClinVar variation 2187937 (VCV002187937.4), dbSNP rs751854368, ClinGen allele CA2595986.